The following is an entry in ClinVar:

NM_001353345.2(SETD1B):c.2066C>T (p.Pro689Leu)

Gene: SETD1B (SET domain containing 1B, histone lysine methyltransferase; plus strand). Cytogenetic location: 12q24.31.
Variant type: single nucleotide variant.
Coding change: c.2066C>T on transcript NM_001353345.2 (MANE Select); coding-DNA position 2066, C replaced by T.
Protein change: p.Pro689Leu; replaces proline 689 with leucine.
Molecular consequence: missense variant.
Genome position (GRCh38, 1-based): chr12:121,814,281, C>T. VCF-style: chr12-121814281-C-T. GRCh37 (hg19) VCF-style: chr12-122252187-C-T.
Other names: NM_015048.1:c.2066C>T; short protein forms P689L.
Identifiers: ClinVar variation 3952810 (VCV003952810.2).

ClinVar aggregate classification (germline): Uncertain significance. Review status: criteria provided, multiple submitters, no conflicts (2 of 4 stars). 2 submissions from 2 submitters: Uncertain significance (2). Last evaluated 2026-04-16.

Conditions:
Inborn genetic diseases. Identifiers: MedGen C0950123, MeSH D030342.

gnomAD v4.1: 4 of 1,372,994 alleles (0.00029%); highest among the groups gnomAD compares: Non-Finnish European, 0.00029%; no homozygotes.

Submissions (2):

Women's Health and Genetics/Laboratory Corporation of America, LabCorp
Classification: Uncertain significance. Last evaluated: 2026-04-16. Review status: criteria provided, single submitter. Criteria: LabCorp Variant Classification Summary - May 2015. Collection method: clinical testing. Allele origin: germline.
Comment: Variant summary: SETD1B c.2066C>T (p.Pro689Leu) results in a non-conservative amino acid change in the encoded protein sequence. Algorithms developed to predict the effect of missense changes on protein structure and function all suggest that this variant is likely to be disruptive. The variant allele was found at a frequency of 1.1e-05 in 88048 control chromosomes. The available data on variant occurrences in the general population are insufficient to allow any conclusion about variant significance. To our knowledge, no occurrence of c.2066C>T in individuals affected with SETD1B-related conditions and no experimental evidence demonstrating its impact on protein function have been reported. ClinVar contains an entry for this variant (Variation ID: 3952810). Based on the evidence outlined above, the variant was classified as uncertain significance.

Ambry Genetics
Classification: Uncertain significance for Inborn genetic diseases. Last evaluated: 2025-04-12. Review status: criteria provided, single submitter. Criteria: Ambry Variant Classification Scheme 2023. Collection method: clinical testing. Allele origin: germline.